The following is an entry in ClinVar:

NM_000274.4(OAT):c.109C>G (p.Pro37Ala)

Gene: OAT (ornithine aminotransferase; minus strand). Cytogenetic location: 10q26.13.
Variant type: single nucleotide variant.
Coding change: c.109C>G on transcript NM_000274.4 (MANE Select); coding-DNA position 109, C replaced by G.
Protein change: p.Pro37Ala; replaces proline 37 with alanine.
Molecular consequence: missense variant. On other transcripts: intron variant (2).
Genome position (GRCh38, 1-based): chr10:124,412,063, G>C on the plus strand (C>G on the coding strand, the complement: OAT is on the minus strand). VCF-style: chr10-124412063-G-C. GRCh37 (hg19) VCF-style: chr10-126100632-G-C.
Other names: c.109C>G, p.Pro37Ala (NM_001322965.2, NM_001322966.2, NM_001322967.2 and 4 more transcripts); c.-215-3098C>G (NM_001171814.2); c.-515-3098C>G (NM_001322974.2); short protein forms P37A.
Identifiers: ClinVar variation 2013073 (VCV002013073.4), dbSNP rs2494524235, ClinGen allele CA378638172.

ClinVar aggregate classification (germline): Uncertain significance (1 of 4 stars; one submission).

Conditions:
Ornithine aminotransferase deficiency (GACR). Also called: OKT DEFICIENCY; HYPERORNITHINEMIA WITH GYRATE ATROPHY OF CHOROID AND RETINA; OAT DEFICIENCY; Ornithine ketoacid aminotransferase deficiency; Gyrate atrophy; Gyrate atrophy of choroid and retina. Identifiers: Orphanet 414, MedGen C0018425, MONDO:0009796, OMIM 258870.

Submission:

Labcorp Genetics (formerly Invitae), Labcorp
Classification: Uncertain significance for Ornithine aminotransferase deficiency. Last evaluated: 2024-10-15. Review status: criteria provided, single submitter. Criteria: Invitae Variant Classification Sherloc (09022015). Collection method: clinical testing. Allele origin: germline.
Comment: This sequence change replaces proline, which is neutral and non-polar, with alanine, which is neutral and non-polar, at codon 37 of the OAT protein (p.Pro37Ala). This variant is not present in population databases (gnomAD no frequency). This variant has not been reported in the literature in individuals affected with OAT-related conditions. ClinVar contains an entry for this variant (Variation ID: 2013073). An algorithm developed to predict the effect of missense changes on protein structure and function (PolyPhen-2) suggests that this variant is likely to be tolerated. In summary, the available evidence is currently insufficient to determine the role of this variant in disease. Therefore, it has been classified as a Variant of Uncertain Significance.